The following is an entry in ClinVar:

NM_015691.5(WWC3):c.2415G>A (p.Ala805=)

Gene: WWC3 (WWC family member 3; plus strand). Cytogenetic location: Xp22.2.
Variant type: single nucleotide variant.
Coding change: c.2415G>A on transcript NM_015691.5; coding-DNA position 2415, G replaced by A.
Protein change: p.Ala805=; no amino-acid change (alanine 805 retained).
Molecular consequence: synonymous variant.
Genome position (GRCh38, 1-based): chrX:10,126,240, G>A. VCF-style: chrX-10126240-G-A. GRCh37 (hg19) VCF-style: chrX-10094280-G-A.
Identifiers: ClinVar variation 2659966 (VCV002659966.24), dbSNP rs770924949, ClinGen allele CA10346627.

ClinVar aggregate classification (germline): Likely benign (1 of 4 stars; one submission).

Allele frequency attached by ClinVar (database versions not stated): ExAC 0.00002; TOPMed 0.00002; gnomAD 0.00003.

Submission:

CeGaT Center for Human Genetics Tuebingen
Classification: Likely benign. Last evaluated: 2022-03-01. Review status: criteria provided, single submitter. Criteria: CeGaT Center For Human Genetics Tuebingen Variant Classification Criteria Version 2. Collection method: clinical testing. Allele origin: germline. Affected: yes. Observed: 1 variant allele.
Comment: WWC3: BP4, BP7